The following is an entry in ClinVar:

NM_000051.4(ATM):c.6980A>C (p.Asn2327Thr)

Genes: C11orf65 (chromosome 11 open reading frame 65; minus strand), ATM (ATM serine/threonine kinase; plus strand). Cytogenetic location: 11q22.3.
Variant type: single nucleotide variant.
Coding change: c.6980A>C on transcript NM_000051.4 (MANE Select); coding-DNA position 6980, A replaced by C.
Protein change: p.Asn2327Thr; replaces asparagine 2327 with threonine.
Molecular consequence: missense variant. On other transcripts: intron variant (2).
Genome position (GRCh38, 1-based): chr11:108,327,649, A>C. VCF-style: chr11-108327649-A-C. GRCh37 (hg19) VCF-style: chr11-108198376-A-C.
Other names: c.6980A>C, p.Asn2327Thr (NM_001351834.2); c.641-18578T>G (NM_001330368.2); c.*38+7571T>G (NM_001351110.2); short protein forms N2327T.
Identifiers: ClinVar variation 4747251 (VCV004747251.1).

ClinVar aggregate classification (germline): Uncertain significance (1 of 4 stars; one submission).

Conditions:
Ataxia-telangiectasia syndrome (AT). Also called: LOUIS-BAR SYNDROME; Cerebello-oculocutaneous telangiectasia; Immunodeficiency with ataxia telangiectasia; Ataxia-telangiectasia, complementation group D; AT, COMPLEMENTATION GROUP C; ATAXIA-TELANGIECTASIA, COMPLEMENTATION GROUP A. Identifiers: Orphanet 100, MedGen C0004135, MONDO:0008840, OMIM 208900.

Submission:

Labcorp Genetics (formerly Invitae), Labcorp
Classification: Uncertain significance for Ataxia-telangiectasia syndrome. Last evaluated: 2025-12-22. Review status: criteria provided, single submitter. Criteria: Invitae Variant Classification Sherloc (09022015). Collection method: clinical testing. Allele origin: germline.
Comment: This sequence change replaces asparagine, which is neutral and polar, with threonine, which is neutral and polar, at codon 2327 of the ATM protein (p.Asn2327Thr). This variant is not present in population databases (gnomAD no frequency). This variant has not been reported in the literature in individuals affected with ATM-related conditions. Invitae Evidence Modeling of protein sequence and biophysical properties (such as structural, functional, and spatial information, amino acid conservation, physicochemical variation, residue mobility, and thermodynamic stability) indicates that this missense variant is not expected to disrupt ATM protein function with a negative predictive value of 95%. In summary, the available evidence is currently insufficient to determine the role of this variant in disease. Therefore, it has been classified as a Variant of Uncertain Significance.